The following is an entry in ClinVar:

ClinVar aggregate classification (germline): Uncertain significance (1 of 4 stars; one submission).

Conditions:
Cardiovascular phenotype. Identifiers: MedGen CN230736.
Hereditary cancer-predisposing syndrome. Also called: Neoplastic Syndromes, Hereditary; Tumor predisposition; Hereditary Cancer Syndrome; Hereditary neoplastic syndrome. Identifiers: Orphanet 140162, MedGen C0027672, MeSH D009386, MONDO:0015356.

gnomAD v4.1: 1 of 1,613,360 alleles (0.000062%); no homozygotes.

Submission:

Ambry Genetics
Classification: Uncertain significance for Cardiovascular phenotype; Hereditary cancer-predisposing syndrome. Last evaluated: 2020-03-20. Review status: criteria provided, single submitter. Criteria: Ambry Variant Classification Scheme 2023. Collection method: clinical testing. Allele origin: germline.
Comment: The p.Y2264H variant (also known as c.6790T>C), located in coding exon 45 of the NF1 gene, results from a T to C substitution at nucleotide position 6790. The tyrosine at codon 2264 is replaced by histidine, an amino acid with similar properties. This amino acid position is highly conserved in available vertebrate species. In addition, this alteration is predicted to be tolerated by in silico analysis. Since supporting evidence is limited at this time, the clinical significance of this alteration remains unclear.

NM_001042492.3(NF1):c.6853T>C (p.Tyr2285His)

Gene: NF1 (neurofibromin 1; plus strand). Cytogenetic location: 17q11.2.
Variant type: single nucleotide variant.
Coding change: c.6853T>C on transcript NM_001042492.3 (MANE Select); coding-DNA position 6853, T replaced by C.
Protein change: p.Tyr2285His; replaces tyrosine 2285 with histidine.
Molecular consequence: missense variant.
Genome position (GRCh38, 1-based): chr17:31,338,737, T>C. VCF-style: chr17-31338737-T-C. GRCh37 (hg19) VCF-style: chr17-29665755-T-C.
Other names: c.6790T>C, p.Tyr2264His (NM_000267.4); short protein forms Y2264H, Y2285H.
Identifiers: ClinVar variation 1755454 (VCV001755454.2), dbSNP rs2508762634, ClinGen allele CA399014312.